The following is an entry in ClinVar:

NM_002691.4(POLD1):c.319C>T (p.Pro107Ser)

Gene: POLD1 (DNA polymerase delta 1, catalytic subunit; plus strand). Cytogenetic location: 19q13.33.
Variant type: single nucleotide variant.
Coding change: c.319C>T on transcript NM_002691.4 (MANE Select); coding-DNA position 319, C replaced by T.
Protein change: p.Pro107Ser; replaces proline 107 with serine.
Molecular consequence: missense variant. On other transcripts: non-coding transcript variant (1).
Genome position (GRCh38, 1-based): chr19:50,401,780, C>T. VCF-style: chr19-50401780-C-T. GRCh37 (hg19) VCF-style: chr19-50905037-C-T.
Other names: c.319C>T, p.Pro107Ser (NM_001256849.1, NM_001308632.1); short protein forms P107S.
Identifiers: ClinVar variation 848162 (VCV000848162.11), dbSNP rs2038641578, ClinGen allele CA406972044.

ClinVar aggregate classification (germline): Conflicting classifications of pathogenicity. Review status: criteria provided, conflicting classifications (1 of 4 stars). 3 submissions from 3 submitters: Uncertain significance (2); Likely benign (1). Last evaluated 2024-03-13.

Conditions:
Hereditary cancer-predisposing syndrome. Also called: Tumor predisposition; Hereditary Cancer Syndrome; Hereditary neoplastic syndrome; Neoplastic Syndromes, Hereditary. Identifiers: Orphanet 140162, MedGen C0027672, MeSH D009386, MONDO:0015356.
POLD1-related polyposis and colorectal cancer syndrome (CRCS10). Also called: Colorectal cancer 10; COLORECTAL CANCER, SUSCEPTIBILITY TO, ON CHROMOSOME 19q; Colorectal cancer, susceptibility to, 10. Identifiers: Orphanet 220460, MedGen C2675481, MONDO:0012953, OMIM 612591.

Submissions (3):

Ambry Genetics
Classification: Likely benign for Hereditary cancer-predisposing syndrome. Last evaluated: 2024-03-13. Review status: criteria provided, single submitter. Criteria: Ambry Variant Classification Scheme 2023. Collection method: clinical testing. Allele origin: germline.

Labcorp Genetics (formerly Invitae), Labcorp
Classification: Uncertain significance for POLD1-related polyposis and colorectal cancer syndrome. Last evaluated: 2023-05-16. Review status: criteria provided, single submitter. Criteria: Invitae Variant Classification Sherloc (09022015). Collection method: clinical testing. Allele origin: germline.
Comment: ClinVar contains an entry for this variant (Variation ID: 848162). This variant has not been reported in the literature in individuals affected with POLD1-related conditions. This variant is not present in population databases (gnomAD no frequency). This sequence change replaces proline, which is neutral and non-polar, with serine, which is neutral and polar, at codon 107 of the POLD1 protein (p.Pro107Ser). In summary, the available evidence is currently insufficient to determine the role of this variant in disease. Therefore, it has been classified as a Variant of Uncertain Significance. Algorithms developed to predict the effect of missense changes on protein structure and function output the following: SIFT: "Not Available"; PolyPhen-2: "Benign"; Align-GVGD: "Not Available". The serine amino acid residue is found in multiple mammalian species, which suggests that this missense change does not adversely affect protein function.

GeneDx
Classification: Uncertain significance. Last evaluated: 2019-11-25. Review status: criteria provided, single submitter. Criteria: GeneDx Variant Classification Process June 2021. Collection method: clinical testing. Allele origin: germline. Affected: yes.
Comment: Not observed in large population cohorts (Lek 2016); In silico analysis, which includes protein predictors and evolutionary conservation, supports that this variant does not alter protein structure/function; Has not been previously published as pathogenic or benign to our knowledge